The following is an entry in ClinVar:

NM_005430.4(WNT1):c.*9G>A

Gene: WNT1 (Wnt family member 1; plus strand). Cytogenetic location: 12q13.12.
Variant type: single nucleotide variant.
Coding change: c.*9G>A on transcript NM_005430.4 (MANE Select); 9 bases downstream of the stop codon, G replaced by A.
Molecular consequence: 3 prime UTR variant.
Genome position (GRCh38, 1-based): chr12:48,981,649, G>A. VCF-style: chr12-48981649-G-A. GRCh37 (hg19) VCF-style: chr12-49375432-G-A.
Identifiers: ClinVar variation 1195712 (VCV001195712.6), dbSNP rs201599168, ClinGen allele CA6544505.

ClinVar aggregate classification (germline): Conflicting classifications of pathogenicity. Review status: criteria provided, conflicting classifications (1 of 4 stars). 2 submissions from 2 submitters: Uncertain significance (1); Likely benign (1). Last evaluated 2025-07-20.

Conditions:
Osteogenesis imperfecta (OI). Identifiers: Orphanet 666, MedGen C0029434, MeSH D010013, MONDO:0019019.

Allele frequency attached by ClinVar (database versions not stated): 1000 Genomes Project 30x 0.00016; 1000 Genomes Project 0.00020; gnomAD exomes 0.00038 and 0.00089; TOPMed 0.00040; gnomAD 0.00041 and 0.00042; ExAC 0.00068.

Submissions (2):

GeneDx
Classification: Uncertain significance. Last evaluated: 2025-07-20. Review status: criteria provided, single submitter. Criteria: GeneDx Variant Classification Process June 2021. Collection method: clinical testing. Allele origin: germline. Affected: yes.
Comment: Has not been previously published as pathogenic or benign to our knowledge; Located in a regulatory region; in the absence of functional studies, the actual effect of this sequence change is unknown

Genome Diagnostics Laboratory, The Hospital for Sick Children
Classification: Likely benign for Osteogenesis imperfecta. Last evaluated: 2021-09-24. Review status: criteria provided, single submitter. Criteria: ACMG Guidelines, 2015. Collection method: clinical testing. Allele origin: germline.